The following is an entry in ClinVar:

NM_001291303.3(FAT4):c.7593C>G (p.Asn2531Lys)

Gene: FAT4 (FAT atypical cadherin 4; plus strand). Cytogenetic location: 4q28.1.
Variant type: single nucleotide variant.
Coding change: c.7593C>G on transcript NM_001291303.3 (MANE Select); coding-DNA position 7593, C replaced by G.
Protein change: p.Asn2531Lys; replaces asparagine 2531 with lysine.
Molecular consequence: missense variant.
Genome position (GRCh38, 1-based): chr4:125,448,603, C>G. VCF-style: chr4-125448603-C-G. GRCh37 (hg19) VCF-style: chr4-126369758-C-G.
Other names: c.7593C>G, p.Asn2531Lys (NM_001291285.3); c.7587C>G, p.Asn2529Lys (NM_024582.6); short protein forms N2531K, N2529K.
Identifiers: ClinVar variation 2272893 (VCV002272893.5), dbSNP rs367971071, ClinGen allele CA358140503.

ClinVar aggregate classification (germline): Uncertain significance. Review status: criteria provided, multiple submitters, no conflicts (2 of 4 stars). 2 submissions from 2 submitters: Uncertain significance (2). Last evaluated 2025-10-15.

Conditions:
Inborn genetic diseases. Identifiers: MedGen C0950123, MeSH D030342.

gnomAD v4.1: 14 of 1,613,826 alleles (0.00087%); highest among the groups gnomAD compares: Admixed American, 0.022%; no homozygotes.

Submissions (2):

Labcorp Genetics (formerly Invitae), Labcorp
Classification: Uncertain significance. Last evaluated: 2025-10-15. Review status: criteria provided, single submitter. Criteria: Invitae Variant Classification Sherloc (09022015). Collection method: clinical testing. Allele origin: germline.
Comment: This sequence change replaces asparagine, which is neutral and polar, with lysine, which is basic and polar, at codon 2529 of the FAT4 protein (p.Asn2529Lys). This variant is present in population databases (no rsID available, gnomAD 0.01%). This variant has not been reported in the literature in individuals affected with FAT4-related conditions. ClinVar contains an entry for this variant (Variation ID: 2272893). Invitae Evidence Modeling of protein sequence and biophysical properties (such as structural, functional, and spatial information, amino acid conservation, physicochemical variation, residue mobility, and thermodynamic stability) indicates that this missense variant is not expected to disrupt FAT4 protein function with a negative predictive value of 95%. In summary, the available evidence is currently insufficient to determine the role of this variant in disease. Therefore, it has been classified as a Variant of Uncertain Significance.

Ambry Genetics
Classification: Uncertain significance for Inborn genetic diseases. Last evaluated: 2022-01-26. Review status: criteria provided, single submitter. Criteria: Ambry Variant Classification Scheme 2023. Collection method: clinical testing. Allele origin: germline.